The following is an entry in ClinVar:

NM_001293298.2(CEMIP):c.1231C>G (p.Leu411Val)

Gene: CEMIP (cell migration inducing hyaluronidase 1; plus strand). Cytogenetic location: 15q25.1.
Variant type: single nucleotide variant.
Coding change: c.1231C>G on transcript NM_001293298.2 (MANE Select); coding-DNA position 1231, C replaced by G.
Protein change: p.Leu411Val; replaces leucine 411 with valine.
Molecular consequence: missense variant.
Genome position (GRCh38, 1-based): chr15:80,895,880, C>G. VCF-style: chr15-80895880-C-G. GRCh37 (hg19) VCF-style: chr15-81188221-C-G.
Other names: c.1231C>G, p.Leu411Val (NM_001293304.2, NM_018689.3); short protein forms L411V.
Identifiers: ClinVar variation 774499 (VCV000774499.8), dbSNP rs144349326, ClinGen allele CA7692897.

ClinVar aggregate classification (germline): Benign/Likely benign. Review status: criteria provided, multiple submitters, no conflicts (2 of 4 stars). 4 submissions from 4 submitters: Benign (1); Likely benign (2). 1 of the submissions does not count toward it. Last evaluated 2019-12-31.

Conditions:
CEMIP-related disorder. Also called: CEMIP-related condition.

Allele frequency attached by ClinVar (database versions not stated): 1000 Genomes Project 0.00140; 1000 Genomes Project 30x 0.00172; ExAC 0.00440; gnomAD exomes 0.00472 and 0.00667; gnomAD 0.00510 and 0.00522; ESP Exome Variant Server 0.00554; TOPMed 0.00556.
gnomAD v4.1: 10,546 of 1,614,152 alleles (0.65%); highest among the groups gnomAD compares: Middle Eastern, 2%; 46 homozygotes.

Submissions (4):

Labcorp Genetics (formerly Invitae), Labcorp
Classification: Benign. Last evaluated: 2019-12-31. Review status: criteria provided, single submitter. Criteria: Invitae Variant Classification Sherloc (09022015). Collection method: clinical testing. Allele origin: germline.

Athena Diagnostics
Classification: Likely benign. Last evaluated: 2019-05-15. Review status: criteria provided, single submitter. Criteria: Athena Diagnostics Criteria. Collection method: clinical testing. Allele origin: germline.

Breakthrough Genomics
Classification: Likely benign. Review status: criteria provided, single submitter. Criteria: ACMG Guidelines, 2015. Collection method: not provided. Allele origin: germline. Inheritance: Unknown mechanism. Affected: yes.

PreventionGenetics, part of Exact Sciences
Classification: Benign for CEMIP-related condition. Last evaluated: 2019-07-11. Review status: no assertion criteria provided. Collection method: clinical testing. Allele origin: germline. Not counted in ClinVar's aggregate classification.
Comment: This variant is classified as benign based on ACMG/AMP sequence variant interpretation guidelines (Richards et al. 2015 PMID: 25741868, with internal and published modifications).